The following is an entry in ClinVar:

NM_000138.5(FBN1):c.4816+3A>G

Gene: FBN1 (fibrillin 1; minus strand). Cytogenetic location: 15q21.1.
Variant type: single nucleotide variant.
Coding change: c.4816+3A>G on transcript NM_000138.5 (MANE Select); 3 bases into the intron after coding-DNA position 4816, A replaced by G.
Molecular consequence: intron variant.
Genome position (GRCh38, 1-based): chr15:48,465,787, T>C on the plus strand (A>G on the coding strand, the complement: FBN1 is on the minus strand). VCF-style: chr15-48465787-T-C. GRCh37 (hg19) VCF-style: chr15-48757984-T-C.
Other names: c.4816+3A>G (NM_001406716.1).
Identifiers: ClinVar variation 2663523 (VCV002663523.1), dbSNP rs2505497537, ClinGen allele CA2695197277.

ClinVar aggregate classification (germline): Uncertain significance (1 of 4 stars; one submission).

Submission:

GeneDx
Classification: Uncertain significance. Last evaluated: 2023-04-06. Review status: criteria provided, single submitter. Criteria: GeneDx Variant Classification Process June 2021. Collection method: clinical testing. Allele origin: germline. Affected: yes.
Comment: Has not been previously published as pathogenic or benign to our knowledge; Not observed at significant frequency in large population cohorts (gnomAD); In silico analysis is inconclusive as to whether the variant alters gene splicing. In the absence of RNA/functional studies, the actual effect of this sequence change is unknown.